The following is an entry in ClinVar:

NM_012062.5(DNM1L):c.1524G>C (p.Met508Ile)

Gene: DNM1L (dynamin 1 like; plus strand). Cytogenetic location: 12p11.21.
Variant type: single nucleotide variant.
Coding change: c.1524G>C on transcript NM_012062.5 (MANE Select); coding-DNA position 1524, G replaced by C.
Protein change: p.Met508Ile; replaces methionine 508 with isoleucine.
Molecular consequence: missense variant.
Genome position (GRCh38, 1-based): chr12:32,733,792, G>C. VCF-style: chr12-32733792-G-C. GRCh37 (hg19) VCF-style: chr12-32886726-G-C.
Other names: c.1524G>C (NM_012062.3); c.1524G>C, p.Met508Ile (NM_001278463.2, NM_005690.5, NM_012063.4); c.1563G>C, p.Met521Ile (NM_001278464.2, NM_001278465.2, NM_001330380.2); c.915G>C, p.Met305Ile (NM_001278466.2); short protein forms M305I, M521I, M508I.
Identifiers: ClinVar variation 1421337 (VCV001421337.9), dbSNP rs768715602, ClinGen allele CA6507568.
Genomic context (GRCh38, chr12:32,733,792, plus strand): 5'-AATTGAACTGGCTTATATCAACACAAAACATCCAGACTTTGCTGATGCTTGTGGGCTAAT[G>C]AACAATAATATAGAGGTAAATATAATTCTTAAATGCTTTTTCACAGGTAGAAAAATCTGT-3'
Protein context (NP_036192.2, residues 498-518): HPDFADACGL[Met508Ile]NNNIEEQRRN

ClinVar aggregate classification (germline): Uncertain significance. Review status: criteria provided, multiple submitters, no conflicts (2 of 4 stars). 2 submissions from 2 submitters: Uncertain significance (2). Last evaluated 2025-06-24.

Conditions:
Inborn genetic diseases. Identifiers: MedGen C0950123, MeSH D030342.

Allele frequency attached by ClinVar (database versions not stated): ExAC 0.00001; gnomAD 0.00001; gnomAD exomes 0.00001; TOPMed 0.00002.
gnomAD v4.1: 5 of 1,613,584 alleles (0.00031%); highest among the groups gnomAD compares: Admixed American, 0.0067%; no homozygotes.

Submissions (2):

Ambry Genetics
Classification: Uncertain significance for Inborn genetic diseases. Last evaluated: 2025-06-24. Review status: criteria provided, single submitter. Criteria: Ambry Variant Classification Scheme 2023. Collection method: clinical testing. Allele origin: germline.

Labcorp Genetics (formerly Invitae), Labcorp
Classification: Uncertain significance. Last evaluated: 2024-01-29. Review status: criteria provided, single submitter. Criteria: Invitae Variant Classification Sherloc (09022015). Collection method: clinical testing. Allele origin: germline.
Comment: This sequence change replaces methionine, which is neutral and non-polar, with isoleucine, which is neutral and non-polar, at codon 508 of the DNM1L protein (p.Met508Ile). This variant is present in population databases (rs768715602, gnomAD 0.006%). This variant has not been reported in the literature in individuals affected with DNM1L-related conditions. ClinVar contains an entry for this variant (Variation ID: 1421337). An algorithm developed to predict the effect of missense changes on protein structure and function (PolyPhen-2) suggests that this variant is likely to be tolerated. In summary, the available evidence is currently insufficient to determine the role of this variant in disease. Therefore, it has been classified as a Variant of Uncertain Significance.